The following is an entry in ClinVar:

ClinVar aggregate classification (germline): Conflicting classifications of pathogenicity. Review status: criteria provided, conflicting classifications (1 of 4 stars). 3 submissions from 3 submitters: Uncertain significance (1); Likely benign (1). 1 of the submissions does not count toward it. Last evaluated 2025-04-09.

Conditions:
NRAP-related disorder. Also called: NRAP-related condition.
Cardiovascular phenotype. Identifiers: MedGen CN230736.

Allele frequency attached by ClinVar (database versions not stated): gnomAD exomes 0.00025; ExAC 0.00084; ESP Exome Variant Server 0.00238; gnomAD 0.00290; TOPMed 0.00331; 1000 Genomes Project 0.00399; 1000 Genomes Project 30x 0.00484.
gnomAD v4.1: 818 of 1,612,966 alleles (0.051%); highest among the groups gnomAD compares: African/African-American, 0.95%; 6 homozygotes.

Submissions (3):

Molecular Diagnostic Laboratory for Inherited Cardiovascular Disease, Montreal Heart Institute
Classification: Uncertain significance for Cardiovascular phenotype. Last evaluated: 2025-04-09. Review status: criteria provided, single submitter. Criteria: ACMG Guidelines, 2015. Collection method: clinical testing. Allele origin: germline. Affected: yes.

Blueprint Genetics
Classification: Likely benign. Last evaluated: 2024-11-14. Review status: criteria provided, single submitter. Criteria: ACMG Guidelines, 2015. Collection method: clinical testing. Allele origin: germline.

PreventionGenetics, part of Exact Sciences
Classification: Likely benign for NRAP-related condition. Last evaluated: 2019-06-18. Review status: no assertion criteria provided. Collection method: clinical testing. Allele origin: germline. Not counted in ClinVar's aggregate classification.
Comment: This variant is classified as likely benign based on ACMG/AMP sequence variant interpretation guidelines (Richards et al. 2015 PMID: 25741868, with internal and published modifications).

NM_198060.4(NRAP):c.3207T>A (p.Phe1069Leu)

Gene: NRAP (nebulin related anchoring protein; minus strand). Cytogenetic location: 10q25.3.
Variant type: single nucleotide variant.
Coding change: c.3207T>A on transcript NM_198060.4 (MANE Select); coding-DNA position 3207, T replaced by A.
Protein change: p.Phe1069Leu; replaces phenylalanine 1069 with leucine.
Molecular consequence: missense variant.
Genome position (GRCh38, 1-based): chr10:113,614,276, A>T on the plus strand (T>A on the coding strand, the complement: NRAP is on the minus strand). VCF-style: chr10-113614276-A-T. GRCh37 (hg19) VCF-style: chr10-115374035-A-T.
Other names: c.3207T>A, p.Phe1069Leu (NM_001261463.2); c.3099T>A, p.Phe1033Leu (NM_001322945.2); c.3102T>A, p.Phe1034Leu (NM_006175.5); c.3207T>A (NM_198060.3); short protein forms F1033L, F1034L, F1069L.
Identifiers: ClinVar variation 3037480 (VCV003037480.4), dbSNP rs115445984, ClinGen allele CA5694867.